The following is an entry in ClinVar:

NM_001853.4(COL9A3):c.68C>G (p.Ala23Gly)

Gene: COL9A3 (collagen type IX alpha 3 chain; plus strand). Cytogenetic location: 20q13.33.
Variant type: single nucleotide variant.
Coding change: c.68C>G on transcript NM_001853.4 (MANE Select); coding-DNA position 68, C replaced by G.
Protein change: p.Ala23Gly; replaces alanine 23 with glycine.
Molecular consequence: missense variant.
Genome position (GRCh38, 1-based): chr20:62,817,132, C>G. VCF-style: chr20-62817132-C-G. GRCh37 (hg19) VCF-style: chr20-61448484-C-G.
Other names: short protein forms A23G.
Identifiers: ClinVar variation 3632710 (VCV003632710.2).

ClinVar aggregate classification (germline): Uncertain significance (1 of 4 stars; one submission).

Submission:

Labcorp Genetics (formerly Invitae), Labcorp
Classification: Uncertain significance. Last evaluated: 2025-06-12. Review status: criteria provided, single submitter. Criteria: Invitae Variant Classification Sherloc (09022015). Collection method: clinical testing. Allele origin: germline.
Comment: This sequence change replaces alanine, which is neutral and non-polar, with glycine, which is neutral and non-polar, at codon 23 of the COL9A3 protein (p.Ala23Gly). This variant is not present in population databases (gnomAD no frequency). This variant has not been reported in the literature in individuals affected with COL9A3-related conditions. ClinVar contains an entry for this variant (Variation ID: 3632710). Invitae Evidence Modeling of protein sequence and biophysical properties (such as structural, functional, and spatial information, amino acid conservation, physicochemical variation, residue mobility, and thermodynamic stability) indicates that this missense variant is not expected to disrupt COL9A3 protein function with a negative predictive value of 95%. In summary, the available evidence is currently insufficient to determine the role of this variant in disease. Therefore, it has been classified as a Variant of Uncertain Significance.